The following is an entry in ClinVar:

NM_021098.3(CACNA1H):c.6229_6230delinsTA (p.Arg2077Tyr)

Gene: CACNA1H (calcium voltage-gated channel subunit alpha1 H; plus strand). Cytogenetic location: 16p13.3.
Variant type: Indel.
Coding change: c.6229_6230delinsTA on transcript NM_021098.3 (MANE Select); coding-DNA positions 6229 to 6230, CG replaced by TA.
Protein change: p.Arg2077Tyr; replaces arginine 2077 with tyrosine.
Molecular consequence: missense variant.
Genome position (GRCh38, 1-based): chr16:1,220,161-1,220,162, CG replaced by TA. VCF-style: chr16-1220161-CG-TA. GRCh37 (hg19) VCF-style: chr16-1270161-CG-TA.
Other names: c.6211_6212delinsTA, p.Arg2071Tyr (NM_001005407.2); short protein forms R2071Y, R2077Y.
Identifiers: ClinVar variation 1913382 (VCV001913382.5), dbSNP rs2548734748, ClinGen allele CA2580090420.
Genomic context (GRCh38, chr16:1,220,161, plus strand): 5'-TCCCCACCACGCTCCCCACGGCCCGCCAGCGTCCGCACTCGTAAGCATACCTTCGGACAG[CG>TA]CTGCGTCTCCAGCCGGCCGGCGGCCCCAGGCGGAGAGGAGGCCGAGGCCTCGGACCCAGC-3'
Protein context (NP_066921.2, residues 2067-2087): VRTRKHTFGQ[Arg2077Tyr]CVSSRPAAPG

ClinVar aggregate classification (germline): Uncertain significance (1 of 4 stars; one submission).

Conditions:
Idiopathic generalized epilepsy. Also called: Generalised epilepsy; EIG. Identifiers: MedGen C0270850, MONDO:0005579, OMIM 600669.
Hyperaldosteronism, familial, type IV (HALD4). Also called: FH IV; ALDOSTERONISM, PRIMARY, AND HYPERTENSION. Identifiers: Orphanet 642671, MedGen C4310756, MONDO:0014875, OMIM 617027.

Submission:

Labcorp Genetics (formerly Invitae), Labcorp
Classification: Uncertain significance for Idiopathic generalized epilepsy; Hyperaldosteronism, familial, type IV. Last evaluated: 2024-02-26. Review status: criteria provided, single submitter. Criteria: Invitae Variant Classification Sherloc (09022015). Collection method: clinical testing. Allele origin: germline.
Comment: This sequence change replaces arginine, which is basic and polar, with tyrosine, which is neutral and polar, at codon 2077 of the CACNA1H protein (p.Arg2077Tyr). This variant is present in population databases (no rsID available, gnomAD 0.0005%). This variant has not been reported in the literature in individuals affected with CACNA1H-related conditions. ClinVar contains an entry for this variant (Variation ID: 1913382). An algorithm developed to predict the effect of missense changes on protein structure and function (PolyPhen-2) suggests that this variant is likely to be tolerated. In summary, the available evidence is currently insufficient to determine the role of this variant in disease. Therefore, it has been classified as a Variant of Uncertain Significance.